The following is an entry in ClinVar:

NM_000535.7(PMS2):c.939T>G (p.Tyr313Ter)

Gene: PMS2 (PMS1 homolog 2, mismatch repair system component; minus strand). Cytogenetic location: 7p22.1.
Variant type: single nucleotide variant.
Coding change: c.939T>G on transcript NM_000535.7 (MANE Select); coding-DNA position 939, T replaced by G.
Protein change: p.Tyr313Ter; replaces tyrosine 313 with a stop codon.
Molecular consequence: nonsense. On other transcripts: non-coding transcript variant (1).
Genome position (GRCh38, 1-based): chr7:5,992,022, A>C on the plus strand (T>G on the coding strand, the complement: PMS2 is on the minus strand). VCF-style: chr7-5992022-A-C. GRCh37 (hg19) VCF-style: chr7-6031653-A-C.
Other names: c.534T>G, p.Tyr178Ter (NM_001322003.2, NM_001322004.2, NM_001322005.2 and 2 more transcripts); c.939T>G, p.Tyr313Ter (NM_001322006.2, NM_001322014.2); c.621T>G, p.Tyr207Ter (NM_001322007.2, NM_001322008.2); c.6T>G, p.Tyr2Ter (NM_001322011.2, NM_001322012.2); c.366T>G, p.Tyr122Ter (NM_001322013.2); c.630T>G, p.Tyr210Ter (NM_001322015.2); short protein forms Y122*, Y2*, Y210*, Y313*, Y178*, Y207*.
Identifiers: ClinVar variation 823215 (VCV000823215.12), dbSNP rs1562651617, ClinGen allele CA366743154.

ClinVar aggregate classification (germline): Pathogenic. Review status: criteria provided, multiple submitters, no conflicts (2 of 4 stars). 3 submissions from 3 submitters: Pathogenic (3). Last evaluated 2025-09-10.

Conditions:
Hereditary cancer-predisposing syndrome. Also called: Tumor predisposition; Hereditary Cancer Syndrome; Neoplastic Syndromes, Hereditary; Hereditary neoplastic syndrome. Identifiers: Orphanet 140162, MedGen C0027672, MeSH D009386, MONDO:0015356.
Lynch syndrome 4 (LYNCH4). Also called: Colorectal cancer, hereditary nonpolyposis, type 4; Hereditary non-polyposis colorectal cancer, type 4. Identifiers: Orphanet 144, MedGen C1838333, MONDO:0013699, OMIM 614337. Disease mechanism: loss of function.
Hereditary nonpolyposis colorectal neoplasms. Identifiers: MedGen C0009405, MeSH D003123.

Allele frequency attached by ClinVar (database versions not stated): gnomAD below 0.00001 and 0.00001; gnomAD exomes below 0.00001.

Submissions (3):

Ambry Genetics
Classification: Pathogenic for Hereditary cancer-predisposing syndrome. Last evaluated: 2025-09-10. Review status: criteria provided, single submitter. Criteria: Ambry Variant Classification Scheme 2023. Collection method: clinical testing. Allele origin: germline.
Comment: The p.Y313* pathogenic mutation (also known as c.939T>G), located in coding exon 9 of the PMS2 gene, results from a T to G substitution at nucleotide position 939. This changes the amino acid from a tyrosine to a stop codon within coding exon 9. This variant is considered to be rare based on population cohorts in the Genome Aggregation Database (gnomAD). This alteration is expected to result in loss of function by premature protein truncation or nonsense-mediated mRNA decay. As such, this alteration is interpreted as a disease-causing mutation.

Myriad Genetics, Inc.
Classification: Pathogenic for Lynch syndrome 4. Last evaluated: 2023-09-19. Review status: criteria provided, single submitter. Criteria: Myriad Autosomal Dominant, Autosomal Recessive and X-Linked Classification Criteria (2023). Collection method: clinical testing. Allele origin: unknown.
Comment: This variant is considered pathogenic. This variant creates a termination codon and is predicted to result in premature protein truncation.

Labcorp Genetics (formerly Invitae), Labcorp
Classification: Pathogenic for Hereditary nonpolyposis colorectal neoplasms. Last evaluated: 2021-04-04. Review status: criteria provided, single submitter. Criteria: Invitae Variant Classification Sherloc (09022015). Collection method: clinical testing. Allele origin: germline.
Comment: For these reasons, this variant has been classified as Pathogenic. Algorithms developed to predict the effect of sequence changes on RNA splicing suggest that this variant may create or strengthen a splice site, but this prediction has not been confirmed by published transcriptional studies. This variant has not been reported in the literature in individuals with PMS2-related conditions. ClinVar contains an entry for this variant (Variation ID: 823215). This variant is not present in population databases (ExAC no frequency). This sequence change creates a premature translational stop signal (p.Tyr313*) in the PMS2 gene. It is expected to result in an absent or disrupted protein product. Loss-of-function variants in PMS2 are known to be pathogenic (PMID: 21376568, 24362816).

Literature cited by the submitters: PubMed 21376568 (cited by Labcorp Genetics (formerly Invitae), Labcorp); PubMed 24362816 (cited by Labcorp Genetics (formerly Invitae), Labcorp).